The following is an entry in ClinVar:

NM_016098.4(MPC1):c.289C>T (p.Arg97Trp)

Gene: MPC1 (mitochondrial pyruvate carrier 1; minus strand). Cytogenetic location: 6q27.
Variant type: single nucleotide variant.
Coding change: c.289C>T on transcript NM_016098.4 (MANE Select); coding-DNA position 289, C replaced by T.
Protein change: p.Arg97Trp; replaces arginine 97 with tryptophan.
Molecular consequence: missense variant. On other transcripts: non-coding transcript variant (1).
Genome position (GRCh38, 1-based): chr6:166,365,990, G>A on the plus strand (C>T on the coding strand, the complement: MPC1 is on the minus strand). VCF-style: chr6-166365990-G-A. GRCh37 (hg19) VCF-style: chr6-166779478-G-A.
Other names: c.160C>T, p.Arg54Trp (NM_001270879.2); short protein forms R97W, R54W.
Identifiers: ClinVar variation 35561 (VCV000035561.3), dbSNP rs387907237, ClinGen allele CA129952.
Genomic context (GRCh38, chr6:166,365,990, plus strand): 5'-CTCAAATTCCTGAAAAGAAAGTAACTAAATTGAAATCTGCTTACTCGTGTTTGATAAGCC[G>A]CCCTCCCTGGATGAGCTGGGCTACTTCATTTGTTGCGTGGCATGCAAACAGAAGCCAGTT-3'
Protein context (NP_057182.1, residues 87-107): NEVAQLIQGG[Arg97Trp]LIKHEMTKTA

ClinVar aggregate classification (germline): Pathogenic. Review status: criteria provided, single submitter (1 of 4 stars). 2 submissions from 2 submitters: Pathogenic (1). 1 of the submissions does not count toward it. Last evaluated 2024-06-14.

Conditions:
Mitochondrial pyruvate carrier deficiency (MPYCD). Identifiers: Orphanet 447784, MedGen C3553607, MONDO:0013877, OMIM 614741.

Allele frequency attached by ClinVar (database versions not stated): gnomAD exomes 0.00001.
gnomAD v4.1: 7 of 1,612,856 alleles (0.00043%); highest among the groups gnomAD compares: Non-Finnish European, 0.00051%; no homozygotes.

Submissions (2):

3billion
Classification: Pathogenic for Mitochondrial pyruvate carrier deficiency. Last evaluated: 2024-06-14. Review status: criteria provided, single submitter. Criteria: ACMG Guidelines, 2015. Collection method: clinical testing. Allele origin: germline. Affected: yes.
Comment: The variant is observed at an extremely low frequency in the gnomAD v4.0.0 dataset (total allele frequency: <0.001%). Predicted Consequence/Location: Missense changes are a common disease-causing mechanism. In silico tool predictions suggest damaging effect of the variant on gene or gene product [REVEL: 0.86 (>=0.6, sensitivity 0.68 and specificity 0.92); 3Cnet: 0.93 (>=0.6, sensitivity 0.72 and precision 0.9)]. The same nucleotide change resulting in the same amino acid change has been previously reported as pathogenic/likely pathogenic with strong evidence (ClinVar ID: VCV000035561 /PMID: 22628558). A different missense change at the same codon (p.Arg97Gln) has been reported to be associated with MPC1-related disorder (ClinVar ID: VCV001236163 /PMID: 34873722). Therefore, this variant is classified as Pathogenic according to the recommendation of ACMG/AMP guideline.

OMIM
Classification: Pathogenic for MITOCHONDRIAL PYRUVATE CARRIER DEFICIENCY. Last evaluated: 2012-07-06. Review status: no assertion criteria provided. Collection method: literature only. Allele origin: germline. Not counted in ClinVar's aggregate classification.

Literature cited by the submitters: PubMed 22628558 (cited by 3billion and OMIM); PubMed 34873722 (cited by 3billion); PubMed 12649063 (cited by OMIM).